The following is an entry in ClinVar:

NM_000632.4(ITGAM):c.1306del (p.Arg436fs)

Gene: ITGAM (integrin subunit alpha M; plus strand). Cytogenetic location: 16p11.2.
Variant type: Deletion.
Coding change: c.1306del on transcript NM_000632.4 (MANE Select); coding-DNA position 1306, one base deleted (A; older notation c.1306delA).
Protein change: p.Arg436fs; shifts the reading frame from arginine 436.
Molecular consequence: frameshift variant.
Genome position (GRCh38, 1-based): chr16:31,278,059, A deleted. VCF-style (leftmost placement, unchanged base first): chr16-31278058-CA-C. GRCh37 (hg19) VCF-style: chr16-31289379-CA-C.
Other names: c.1306del, p.Arg436fs (NM_001145808.2); short protein forms R436fs.
Identifiers: ClinVar variation 3624822 (VCV003624822.2).

ClinVar aggregate classification (germline): Uncertain significance (1 of 4 stars; one submission).

Submission:

Labcorp Genetics (formerly Invitae), Labcorp
Classification: Uncertain significance. Last evaluated: 2026-01-06. Review status: criteria provided, single submitter. Criteria: Invitae Variant Classification Sherloc (09022015). Collection method: clinical testing. Allele origin: germline.
Comment: This sequence change creates a premature translational stop signal (p.Arg436Glyfs*89) in the ITGAM gene. It is expected to result in an absent or disrupted protein product. However, the current clinical and genetic evidence is not sufficient to establish whether loss-of-function variants in ITGAM cause disease. This variant is not present in population databases (gnomAD no frequency). This variant has not been reported in the literature in individuals affected with ITGAM-related conditions. ClinVar contains an entry for this variant (Variation ID: 3624822). In summary, the available evidence is currently insufficient to determine the role of this variant in disease. Therefore, it has been classified as a Variant of Uncertain Significance.